The following is an entry in ClinVar:

NM_138783.4(ZNF653):c.751G>A (p.Val251Met)

Gene: ZNF653 (zinc finger protein 653; minus strand). Cytogenetic location: 19p13.2.
Variant type: single nucleotide variant.
Coding change: c.751G>A on transcript NM_138783.4 (MANE Select); coding-DNA position 751, G replaced by A.
Protein change: p.Val251Met; replaces valine 251 with methionine.
Molecular consequence: missense variant.
Genome position (GRCh38, 1-based): chr19:11,487,712, C>T on the plus strand (G>A on the coding strand, the complement: ZNF653 is on the minus strand). VCF-style: chr19-11487712-C-T. GRCh37 (hg19) VCF-style: chr19-11598527-C-T.
Other names: short protein forms V251M.
Identifiers: ClinVar variation 2649332 (VCV002649332.24), dbSNP rs140179197, ClinGen allele CA9214150.

ClinVar aggregate classification (germline): Likely benign (1 of 4 stars; one submission).

Allele frequency attached by ClinVar (database versions not stated): 1000 Genomes Project 30x 0.00172; 1000 Genomes Project 0.00180; TOPMed 0.00419; gnomAD 0.00423; ExAC 0.00451; ESP Exome Variant Server 0.00484; gnomAD exomes 0.00565.
gnomAD v4.1: 8,809 of 1,613,744 alleles (0.55%); highest among the groups gnomAD compares: Non-Finnish European, 0.64%; 34 homozygotes.

Submission:

CeGaT Center for Human Genetics Tuebingen
Classification: Likely benign. Last evaluated: 2022-12-01. Review status: criteria provided, single submitter. Criteria: CeGaT Center For Human Genetics Tuebingen Variant Classification Criteria Version 2. Collection method: clinical testing. Allele origin: germline. Affected: yes. Observed: 1 variant allele.
Comment: ZNF653: BS2